The following is an entry in ClinVar:

NM_138713.4(NFAT5):c.3722T>C (p.Met1241Thr)

Gene: NFAT5 (nuclear factor of activated T cells 5; plus strand). Cytogenetic location: 16q22.1.
Variant type: single nucleotide variant.
Coding change: c.3722T>C on transcript NM_138713.4 (MANE Select); coding-DNA position 3722, T replaced by C.
Protein change: p.Met1241Thr; replaces methionine 1241 with threonine.
Molecular consequence: missense variant.
Genome position (GRCh38, 1-based): chr16:69,693,547, T>C. VCF-style: chr16-69693547-T-C. GRCh37 (hg19) VCF-style: chr16-69727450-T-C.
Other names: c.3719T>C, p.Met1240Thr (NM_001113178.3); c.3047T>C, p.Met1016Thr (NM_001367709.1); c.3668T>C, p.Met1223Thr (NM_006599.4); c.3440T>C, p.Met1147Thr (NM_138714.4, NM_173214.3, NM_173215.3); short protein forms M1016T, M1240T, M1147T, M1223T, M1241T.
Identifiers: ClinVar variation 2082934 (VCV002082934.4), dbSNP rs2544248967, ClinGen allele CA396513635.

ClinVar aggregate classification (germline): Uncertain significance (1 of 4 stars; one submission).

Conditions:
Immunodeficiency. Identifiers: MedGen C0021051, MONDO:0021094, HP:0002721.

Submission:

Labcorp Genetics (formerly Invitae), Labcorp
Classification: Uncertain significance for Immunodeficiency. Last evaluated: 2025-10-07. Review status: criteria provided, single submitter. Criteria: Invitae Variant Classification Sherloc (09022015). Collection method: clinical testing. Allele origin: germline.
Comment: This sequence change replaces methionine, which is neutral and non-polar, with threonine, which is neutral and polar, at codon 1147 of the NFAT5 protein (p.Met1147Thr). This variant is not present in population databases (gnomAD no frequency). This variant has not been reported in the literature in individuals affected with NFAT5-related conditions. ClinVar contains an entry for this variant (Variation ID: 2082934). An algorithm developed to predict the effect of missense changes on protein structure and function (PolyPhen-2) suggests that this variant is likely to be tolerated. In summary, the available evidence is currently insufficient to determine the role of this variant in disease. Therefore, it has been classified as a Variant of Uncertain Significance.